The following is an entry in ClinVar:

NM_001378452.1(ITPR1):c.2040C>T (p.Val680=)

Gene: ITPR1 (inositol 1,4,5-trisphosphate receptor type 1; plus strand). Cytogenetic location: 3p26.1.
Variant type: single nucleotide variant.
Coding change: c.2040C>T on transcript NM_001378452.1 (MANE Select); coding-DNA position 2040, C replaced by T.
Protein change: p.Val680=; no amino-acid change (valine 680 retained).
Molecular consequence: synonymous variant.
Genome position (GRCh38, 1-based): chr3:4,670,762, C>T. VCF-style: chr3-4670762-C-T. GRCh37 (hg19) VCF-style: chr3-4712446-C-T.
Other names: c.2040C>T, p.Val680= (NM_001099952.4); c.1995C>T, p.Val665= (NM_001168272.2, NM_002222.7).
Identifiers: ClinVar variation 5040046 (VCV005040046.1).

ClinVar aggregate classification (germline): Likely benign (1 of 4 stars; one submission).

Submission:

CeGaT Center for Human Genetics Tuebingen
Classification: Likely benign. Last evaluated: 2026-07-01. Review status: criteria provided, single submitter. Criteria: CeGaT Center For Human Genetics Tuebingen Variant Classification Criteria Version 2. Collection method: clinical testing. Allele origin: germline. Affected: yes. Observed: 1 variant allele.
Comment: ITPR1: PM2:Supporting, BP4, BP7